The following is an entry in ClinVar:

ClinVar aggregate classification (germline): Uncertain significance (1 of 4 stars; one submission).

Submission:

Ambry Genetics
Classification: Uncertain significance. Last evaluated: 2025-02-08. Review status: criteria provided, single submitter. Criteria: Ambry Variant Classification Scheme 2023. Collection method: clinical testing. Allele origin: germline.
Comment: The p.N679K variant (also known as c.2037C>G), located in coding exon 11 of the ATRIP gene, results from a C to G substitution at nucleotide position 2037. The asparagine at codon 679 is replaced by lysine, an amino acid with similar properties. This amino acid position is conserved. In addition, this alteration is predicted to be tolerated by in silico analysis. Based on the available evidence, the clinical significance of this variant remains unclear.

NM_130384.3(ATRIP):c.2037C>G (p.Asn679Lys)

Genes: ATRIP (ATR interacting protein; plus strand), ATRIP-TREX1 (ATRIP-TREX1 readthrough; plus strand). Cytogenetic location: 3p21.31.
Variant type: single nucleotide variant.
Coding change: c.2037C>G on transcript NM_130384.3 (MANE Select); coding-DNA position 2037, C replaced by G.
Protein change: p.Asn679Lys; replaces asparagine 679 with lysine.
Molecular consequence: missense variant. On other transcripts: non-coding transcript variant (1), intron variant (1).
Genome position (GRCh38, 1-based): chr3:48,464,644, C>G. VCF-style: chr3-48464644-C-G. GRCh37 (hg19) VCF-style: chr3-48506043-C-G.
Other names: c.1656C>G, p.Asn552Lys (NM_001271022.2); c.1758C>G, p.Asn586Lys (NM_001271023.2); c.1975-187C>G (NM_032166.4); short protein forms N586K, N552K, N679K.
Identifiers: ClinVar variation 3810597 (VCV003810597.1).